The following is an entry in ClinVar:

NM_080680.3(COL11A2):c.2266A>C (p.Arg756=)

Gene: COL11A2 (collagen type XI alpha 2 chain; minus strand). Cytogenetic location: 6p21.32.
Variant type: single nucleotide variant.
Coding change: c.2266A>C on transcript NM_080680.3 (MANE Select); coding-DNA position 2266, A replaced by C.
Protein change: p.Arg756=; no amino-acid change (arginine 756 retained).
Molecular consequence: synonymous variant.
Genome position (GRCh38, 1-based): chr6:33,176,018, T>G on the plus strand (A>C on the coding strand, the complement: COL11A2 is on the minus strand). VCF-style: chr6-33176018-T-G. GRCh37 (hg19) VCF-style: chr6-33143795-T-G.
Other names: c.1945A>C, p.Arg649= (NM_080679.3); c.2008A>C, p.Arg670= (NM_080681.3).
Identifiers: ClinVar variation 1188167 (VCV001188167.14), dbSNP rs138083769, ClinGen allele CA3750983.

ClinVar aggregate classification (germline): Likely benign. Review status: criteria provided, multiple submitters, no conflicts (2 of 4 stars). 5 submissions from 5 submitters: Likely benign (4). 1 of the submissions does not count toward it. Last evaluated 2026-08-01.

Conditions:
COL11A2-related disorder. Also called: COL11A2-related condition; COL11A2-related disorders.

Allele frequency attached by ClinVar (database versions not stated): ESP Exome Variant Server 0.00059; gnomAD 0.00065 and 0.00071; TOPMed 0.00078; gnomAD exomes 0.00006 and 0.00017; ExAC 0.00018; 1000 Genomes Project 0.00040; 1000 Genomes Project 30x 0.00047.
gnomAD v4.1: 196 of 1,613,058 alleles (0.012%); highest among the groups gnomAD compares: African/African-American, 0.19%; no homozygotes.

Submissions (5):

CeGaT Center for Human Genetics Tuebingen
Classification: Likely benign. Last evaluated: 2026-08-01. Review status: criteria provided, single submitter. Criteria: CeGaT Center For Human Genetics Tuebingen Variant Classification Criteria Version 2. Collection method: clinical testing. Allele origin: germline. Affected: yes. Observed: 1 variant allele.
Comment: COL11A2: BP4, BP7

Labcorp Genetics (formerly Invitae), Labcorp
Classification: Likely benign. Last evaluated: 2026-01-18. Review status: criteria provided, single submitter. Criteria: Invitae Variant Classification Sherloc (09022015). Collection method: clinical testing. Allele origin: germline.

Blueprint Genetics
Classification: Likely benign. Last evaluated: 2023-05-26. Review status: criteria provided, single submitter. Criteria: ACMG Guidelines, 2015. Collection method: clinical testing. Allele origin: germline.

GeneDx
Classification: Likely benign. Last evaluated: 2021-02-25. Review status: criteria provided, single submitter. Criteria: GeneDx Variant Classification Process June 2021. Collection method: clinical testing. Allele origin: germline. Affected: yes.

PreventionGenetics, part of Exact Sciences
Classification: Likely benign for COL11A2-related condition. Last evaluated: 2020-03-20. Review status: no assertion criteria provided. Collection method: clinical testing. Allele origin: germline. Not counted in ClinVar's aggregate classification.
Comment: This variant is classified as likely benign based on ACMG/AMP sequence variant interpretation guidelines (Richards et al. 2015 PMID: 25741868, with internal and published modifications).